The following is an entry in ClinVar:

NM_024422.6(DSC2):c.1239T>G (p.Asn413Lys)

Gene: DSC2 (desmocollin 2; minus strand). Cytogenetic location: 18q12.1.
Variant type: single nucleotide variant.
Coding change: c.1239T>G on transcript NM_024422.6 (MANE Select); coding-DNA position 1239, T replaced by G.
Protein change: p.Asn413Lys; replaces asparagine 413 with lysine.
Molecular consequence: missense variant.
Genome position (GRCh38, 1-based): chr18:31,082,262, A>C on the plus strand (T>G on the coding strand, the complement: DSC2 is on the minus strand). VCF-style: chr18-31082262-A-C. GRCh37 (hg19) VCF-style: chr18-28662228-A-C.
Other names: c.1239T>G, p.Asn413Lys (NM_004949.5); short protein forms N413K.
Identifiers: ClinVar variation 1055599 (VCV001055599.10), dbSNP rs765511398, ClinGen allele CA402109493.
Genomic context (GRCh38, chr18:31,082,262, plus strand): 5'-TTATAAACTACAAATAATGTTCTAATTTATTCTTACCTTAACTACACAAAGAACTCCTTC[A>C]TTGGTTTTGGCATCTGTTACAATTTTAAAATTGCCATTTTCATTGCCCTTTAAAATGGTA-3'
Protein context (NP_077740.1, residues 403-423): NFKIVTDAKT[Asn413Lys]EGVLCVVKPL

ClinVar aggregate classification (germline): Uncertain significance. Review status: criteria provided, multiple submitters, no conflicts (2 of 4 stars). 2 submissions from 2 submitters: Uncertain significance (2). Last evaluated 2024-07-30.

Conditions:
Cardiovascular phenotype. Identifiers: MedGen CN230736.
Arrhythmogenic right ventricular dysplasia 11. Also called: Arrhythmogenic Right Ventricular Dysplasia/Cardiomyopathy11; ARRHYTHMOGENIC RIGHT VENTRICULAR DYSPLASIA, FAMILIAL, 11; Arrhythmogenic right ventricular dysplasia 11 with mild palmoplantar keratoderma and woolly hair. Identifiers: MedGen C1864850, MONDO:0012506, OMIM 610476.

Allele frequency attached by ClinVar (database versions not stated): gnomAD exomes below 0.00001.
gnomAD v4.1: 2 of 1,613,476 alleles (0.00012%); highest among the groups gnomAD compares: East Asian, 0.0022%; no homozygotes.

Submissions (2):

Labcorp Genetics (formerly Invitae), Labcorp
Classification: Uncertain significance for Arrhythmogenic right ventricular dysplasia 11. Last evaluated: 2024-07-30. Review status: criteria provided, single submitter. Criteria: Invitae Variant Classification Sherloc (09022015). Collection method: clinical testing. Allele origin: germline.
Comment: This sequence change replaces asparagine, which is neutral and polar, with lysine, which is basic and polar, at codon 413 of the DSC2 protein (p.Asn413Lys). This variant is present in population databases (no rsID available, gnomAD 0.005%). This variant has not been reported in the literature in individuals affected with DSC2-related conditions. ClinVar contains an entry for this variant (Variation ID: 1055599). Advanced modeling of protein sequence and biophysical properties (such as structural, functional, and spatial information, amino acid conservation, physicochemical variation, residue mobility, and thermodynamic stability) performed at Invitae indicates that this missense variant is expected to disrupt DSC2 protein function with a positive predictive value of 80%. In summary, the available evidence is currently insufficient to determine the role of this variant in disease. Therefore, it has been classified as a Variant of Uncertain Significance.

Ambry Genetics
Classification: Uncertain significance for Cardiovascular phenotype. Last evaluated: 2022-04-25. Review status: criteria provided, single submitter. Criteria: Ambry Variant Classification Scheme 2023. Collection method: clinical testing. Allele origin: germline.
Comment: The p.N413K variant (also known as c.1239T>G), located in coding exon 9 of the DSC2 gene, results from a T to G substitution at nucleotide position 1239. The asparagine at codon 413 is replaced by lysine, an amino acid with similar properties. This amino acid position is conserved. In addition, this alteration is predicted to be tolerated by in silico analysis. Since supporting evidence is limited at this time, the clinical significance of this alteration remains unclear.